The following is an entry in ClinVar:

NM_018993.4(RIN2):c.2164A>T (p.Met722Leu)

Gene: RIN2 (Ras and Rab interactor 2; plus strand). Cytogenetic location: 20p11.23.
Variant type: single nucleotide variant.
Coding change: c.2164A>T on transcript NM_018993.4 (MANE Select); coding-DNA position 2164, A replaced by T.
Protein change: p.Met722Leu; replaces methionine 722 with leucine.
Molecular consequence: missense variant.
Genome position (GRCh38, 1-based): chr20:19,992,263, A>T. VCF-style: chr20-19992263-A-T. GRCh37 (hg19) VCF-style: chr20-19972907-A-T.
Other names: c.2311A>T, p.Met771Leu (NM_001242581.2); c.1546A>T, p.Met516Leu (NM_001378238.1); short protein forms M722L, M771L, M516L.
Identifiers: ClinVar variation 1461754 (VCV001461754.5), dbSNP rs761550976, ClinGen allele CA9780230.
Genomic context (GRCh38, chr20:19,992,263, plus strand): 5'-CTGACCTATGTCATAGCCCAGTGTGACATGCTTGAATTGGACACTGAAATCGAGTACATG[A>T]TGGAGCTCCTAGACCCATCGCTGTTACATGGAGAAGGTAACTGCTTTTGAGAAAAGTTGA-3'
Protein context (NP_061866.1, residues 712-732): LELDTEIEYM[Met722Leu]ELLDPSLLHG

ClinVar aggregate classification (germline): Uncertain significance (1 of 4 stars; one submission).

Allele frequency attached by ClinVar (database versions not stated): gnomAD exomes below 0.00001; ExAC 0.00002; TOPMed 0.00002.
gnomAD v4.1: 2 of 1,588,146 alleles (0.00013%); highest among the groups gnomAD compares: Non-Finnish European, 0.00017%; no homozygotes.

Submission:

Labcorp Genetics (formerly Invitae), Labcorp
Classification: Uncertain significance. Last evaluated: 2023-07-28. Review status: criteria provided, single submitter. Criteria: Invitae Variant Classification Sherloc (09022015). Collection method: clinical testing. Allele origin: germline.
Comment: This sequence change replaces methionine, which is neutral and non-polar, with leucine, which is neutral and non-polar, at codon 722 of the RIN2 protein (p.Met722Leu). This variant is present in population databases (rs761550976, gnomAD 0.002%). This variant has not been reported in the literature in individuals affected with RIN2-related conditions. ClinVar contains an entry for this variant (Variation ID: 1461754). Experimental studies and prediction algorithms are not available or were not evaluated, and the functional significance of this variant is currently unknown. In summary, the available evidence is currently insufficient to determine the role of this variant in disease. Therefore, it has been classified as a Variant of Uncertain Significance.